The following is an entry in ClinVar:

NM_017721.5(CC2D1A):c.460G>A (p.Ala154Thr)

Gene: CC2D1A (coiled-coil and C2 domain containing 1A; plus strand). Cytogenetic location: 19p13.12.
Variant type: single nucleotide variant.
Coding change: c.460G>A on transcript NM_017721.5 (MANE Select); coding-DNA position 460, G replaced by A.
Protein change: p.Ala154Thr; replaces alanine 154 with threonine.
Molecular consequence: missense variant.
Genome position (GRCh38, 1-based): chr19:13,913,249, G>A. VCF-style: chr19-13913249-G-A. GRCh37 (hg19) VCF-style: chr19-14024062-G-A.
Other names: short protein forms A154T.
Identifiers: ClinVar variation 589087 (VCV000589087.7), dbSNP rs202025962, ClinGen allele CA9244293.

ClinVar aggregate classification (germline): Uncertain significance. Review status: criteria provided, multiple submitters, no conflicts (2 of 4 stars). 3 submissions from 3 submitters: Uncertain significance (3). Last evaluated 2020-05-07.

Conditions:
Inborn genetic diseases. Identifiers: MedGen C0950123, MeSH D030342.
Intellectual developmental disorder, autosomal recessive 3. Also called: Intellectual disability, autosomal recessive 3. Identifiers: Orphanet 88616, MedGen C1838023, MONDO:0012037, OMIM 608443.

Allele frequency attached by ClinVar (database versions not stated): TOPMed 0.00008; ESP Exome Variant Server 0.00016; gnomAD 0.00007.
gnomAD v4.1: 117 of 1,613,616 alleles (0.0073%); highest among the groups gnomAD compares: East Asian, 0.0045%; no homozygotes.

Submissions (3):

New York Genome Center
Classification: Uncertain significance for Intellectual developmental disorder, autosomal recessive 3. Last evaluated: 2020-05-07. Review status: criteria provided, single submitter. Criteria: NYGC Assertion Criteria 2020. Collection method: clinical testing. Allele origin: germline. Observed: 1 heterozygote. Study: CSER-NYCKidSeq.

CENTOGENE GmbH and LLC - Guiding Precision Medicine
Classification: Uncertain significance for Intellectual developmental disorder, autosomal recessive 3. Last evaluated: 2019-05-21. Review status: criteria provided, single submitter. Criteria: ACMG Guidelines, 2015. Collection method: clinical testing. Allele origin: germline. Affected: yes.

Ambry Genetics
Classification: Uncertain significance for Inborn genetic diseases. Last evaluated: 2017-05-25. Review status: criteria provided, single submitter. Criteria: Ambry Variant Classification Scheme 2023. Collection method: clinical testing. Allele origin: germline.
Comment: The p.A154T variant (also known as c.460G>A), located in coding exon 5 of the CC2D1A gene, results from a G to A substitution at nucleotide position 460. The alanine at codon 154 is replaced by threonine, an amino acid with similar properties. This amino acid position is highly conserved in available vertebrate species. In addition, the in silico prediction for this alteration is inconclusive. Since supporting evidence is limited at this time, the clinical significance of this alteration remains unclear.